The following is an entry in ClinVar:

ClinVar aggregate classification (germline): Conflicting classifications of pathogenicity. Review status: criteria provided, conflicting classifications (1 of 4 stars). 2 submissions from 2 submitters: Uncertain significance (1); Benign (1). Last evaluated 2024-03-07.

Conditions:
Inborn genetic diseases. Identifiers: MedGen C0950123, MeSH D030342.
Collagen 6-related myopathy. Identifiers: MedGen CN117976, MONDO:0100225.

Allele frequency attached by ClinVar (database versions not stated): gnomAD 0.00001; gnomAD exomes 0.00001 and 0.00003; ExAC 0.00002; TOPMed 0.00003.
gnomAD v4.1: 11 of 1,613,956 alleles (0.00068%); highest among the groups gnomAD compares: East Asian, 0.025%; no homozygotes.

Submissions (2):

Ambry Genetics
Classification: Uncertain significance for Inborn genetic diseases. Last evaluated: 2024-03-07. Review status: criteria provided, single submitter. Criteria: Ambry Variant Classification Scheme 2023. Collection method: clinical testing. Allele origin: germline.

Illumina Laboratory Services, Illumina
Classification: Benign for Collagen VI-related myopathy. Last evaluated: 2018-01-13. Review status: criteria provided, single submitter. Criteria: ICSL Variant Classification Criteria 13 December 2019. Collection method: clinical testing. Allele origin: germline.
Comment: This variant was observed in the ICSL laboratory as part of a predisposition screen in an ostensibly healthy population. It had not been previously curated by ICSL or reported in the Human Gene Mutation Database (HGMD: prior to June 1st, 2018), and was therefore a candidate for classification through an automated scoring system. Utilizing variant allele frequency, disease prevalence and penetrance estimates, and inheritance mode, an automated score was calculated to assess if this variant is too frequent to cause the disease. Based on the score and internal cut-off values, a variant classified as benign is not then subjected to further curation. The score for this variant resulted in a classification of benign for this disease.

NM_004369.4(COL6A3):c.6818G>C (p.Gly2273Ala)

Gene: COL6A3 (collagen type VI alpha 3 chain; minus strand). Cytogenetic location: 2q37.3.
Variant type: single nucleotide variant.
Coding change: c.6818G>C on transcript NM_004369.4 (MANE Select); coding-DNA position 6818, G replaced by C.
Protein change: p.Gly2273Ala; replaces glycine 2273 with alanine.
Molecular consequence: missense variant.
Genome position (GRCh38, 1-based): chr2:237,350,208, C>G on the plus strand (G>C on the coding strand, the complement: COL6A3 is on the minus strand). VCF-style: chr2-237350208-C-G. GRCh37 (hg19) VCF-style: chr2-238258851-C-G.
Other names: c.4997G>C, p.Gly1666Ala (NM_057166.5); c.6200G>C, p.Gly2067Ala (NM_057167.4); short protein forms G2273A, G2067A, G1666A.
Identifiers: ClinVar variation 898952 (VCV000898952.5), dbSNP rs759832450, ClinGen allele CA2188071.
Genomic context (GRCh38, chr2:237,350,208, plus strand): 5'-GTCTCCCCACGAGGGCCCCGGTTCCCGATTCCTCCTTTTGGTCCTGGCTCTCCGGGCTCA[C>G]CCTAGACATGAGAAACATGGCTGAGACCCTGTGGCCTGGGGCTGGCTTACAGTGTGATGC-3'
Protein context (NP_004360.2, residues 2263-2283): RGRTGPLGRK[Gly2273Ala]EPGEPGPKGG